The following is an entry in ClinVar:

ClinVar aggregate classification (germline): Conflicting classifications of pathogenicity. Review status: criteria provided, conflicting classifications (1 of 4 stars). 7 submissions from 7 submitters: Uncertain significance (1); Likely benign (5). 1 of the submissions does not count toward it. Last evaluated 2025-09-07.

Conditions:
Fanconi anemia complementation group J. Also called: BRIP1-Related Fanconi Anemia. Identifiers: Orphanet 84, MedGen C1836860, MONDO:0012187, OMIM 609054.
Ovarian cancer. Also called: OVARIAN CANCER, SOMATIC. Identifiers: Orphanet 213500, MedGen C1140680, MONDO:0008170, OMIM 167000.
Hereditary cancer-predisposing syndrome. Also called: Hereditary neoplastic syndrome; Neoplastic Syndromes, Hereditary; Tumor predisposition; Hereditary Cancer Syndrome. Identifiers: Orphanet 140162, MedGen C0027672, MeSH D009386, MONDO:0015356.
Familial cancer of breast. Also called: BREAST CANCER, FAMILIAL; hereditary breast carcinoma; Hereditary breast cancer. Identifiers: Orphanet 227535, MedGen C0346153, MONDO:0016419, OMIM 114480. Disease mechanism: loss of function.

Allele frequency attached by ClinVar (database versions not stated): gnomAD 0.00001; TOPMed 0.00002; ExAC 0.00002; gnomAD exomes 0.00002.
gnomAD v4.1: 24 of 1,602,960 alleles (0.0015%); highest among the groups gnomAD compares: Non-Finnish European, 0.002%; no homozygotes.

Submissions (7):

Labcorp Genetics (formerly Invitae), Labcorp
Classification: Likely benign for Familial cancer of breast; Fanconi anemia complementation group J. Last evaluated: 2025-09-07. Review status: criteria provided, single submitter. Criteria: Invitae Variant Classification Sherloc (09022015). Collection method: clinical testing. Allele origin: germline.

Center for Genomic Medicine, Rigshospitalet, Copenhagen University Hospital
Classification: Likely benign. Last evaluated: 2025-03-04. Review status: criteria provided, single submitter. Criteria: ACMG Guidelines, 2015. Collection method: clinical testing. Allele origin: germline.

Myriad Genetics, Inc.
Classification: Uncertain significance for Familial cancer of breast. Last evaluated: 2023-02-27. Review status: criteria provided, single submitter. Criteria: Myriad Autosomal Dominant, Autosomal Recessive and X-Linked Classification Criteria (2023). Collection method: clinical testing. Allele origin: unknown.
Comment: This variant is classified as a variant of uncertain significance as there is insufficient evidence to determine its impact on protein function and/or cancer risk.

Quest Diagnostics Nichols Institute San Juan Capistrano
Classification: Likely benign. Last evaluated: 2021-04-09. Review status: criteria provided, single submitter. Criteria: Quest Diagnostics criteria. Collection method: clinical testing. Allele origin: unknown.

Color Diagnostics, LLC DBA Color Health
Classification: Likely benign for Hereditary cancer-predisposing syndrome. Last evaluated: 2019-03-19. Review status: criteria provided, single submitter. Criteria: ACMG Guidelines, 2015. Collection method: clinical testing. Allele origin: germline.

GeneDx
Classification: Likely benign. Last evaluated: 2018-01-03. Review status: criteria provided, single submitter. Criteria: GeneDx Variant Classification (06012015). Collection method: clinical testing. Allele origin: germline. Affected: yes.
Comment: This variant is considered likely benign or benign based on one or more of the following criteria: it is a conservative change, it occurs at a poorly conserved position in the protein, it is predicted to be benign by multiple in silico algorithms, and/or has population frequency not consistent with disease.

Counsyl
Classification: Likely benign for Fanconi anemia complementation group J; Ovarian cancer. Last evaluated: 2017-05-15. Review status: no assertion criteria provided. Collection method: clinical testing. Allele origin: unknown. Not counted in ClinVar's aggregate classification.

NM_032043.3(BRIP1):c.1795-9T>G

Gene: BRIP1 (BRCA1 interacting DNA helicase 1; minus strand). Cytogenetic location: 17q23.2.
Variant type: single nucleotide variant.
Coding change: c.1795-9T>G on transcript NM_032043.3 (MANE Select); 9 bases into the intron before coding-DNA position 1795, T replaced by G.
Molecular consequence: intron variant.
Genome position (GRCh38, 1-based): chr17:61,780,410, A>C on the plus strand (T>G on the coding strand, the complement: BRIP1 is on the minus strand). VCF-style: chr17-61780410-A-C. GRCh37 (hg19) VCF-style: chr17-59857771-A-C.
Identifiers: ClinVar variation 461083 (VCV000461083.23), dbSNP rs777006706, ClinGen allele CA8690649.